The following is an entry in ClinVar:

ClinVar aggregate classification (germline): Uncertain significance (1 of 4 stars; one submission).

Conditions:
Familial adenomatous polyposis 2. Also called: Adenomas, multiple colorectal; MYH-associated polyposis; COLORECTAL ADENOMATOUS POLYPOSIS, AUTOSOMAL RECESSIVE; ADENOMAS, MULTIPLE COLORECTAL, AUTOSOMAL RECESSIVE; FAP type 2; MUTYH Polyposis. Identifiers: Orphanet 220460, Orphanet 247798, MedGen C3272841, MONDO:0012041, OMIM 608456.

Submission:

Labcorp Genetics (formerly Invitae), Labcorp
Classification: Uncertain significance for Familial adenomatous polyposis 2. Last evaluated: 2022-12-04. Review status: criteria provided, single submitter. Criteria: Invitae Variant Classification Sherloc (09022015). Collection method: clinical testing. Allele origin: germline.
Comment: In summary, the available evidence is currently insufficient to determine the role of this variant in disease. Therefore, it has been classified as a Variant of Uncertain Significance. Experimental studies and prediction algorithms are not available or were not evaluated, and the functional significance of this variant is currently unknown. This variant has not been reported in the literature in individuals affected with MUTYH-related conditions. This variant results in a copy number gain of the genomic region encompassing exon(s) 15 of the MUTYH gene. While the exact position of this variant cannot be determined from the data, sub-genic copy number gains are generally in tandem (PMID: 25640679). This variant is predicted to be in-frame, and likely preserves the integrity of the reading frame.

Literature cited by the submitters: PubMed 25640679.

NC_000001.10:g.(?_45796178)_(45796257_?)dup

Gene: MUTYH (mutY DNA glycosylase; minus strand). Cytogenetic location: 1p34.1.
Variant type: Duplication.
Identifiers: ClinVar variation 1410187 (VCV001410187.4).